The following is an entry in ClinVar:

NM_015021.3(ZNF292):c.433del (p.Ser145fs)

Gene: ZNF292 (zinc finger protein 292; plus strand). Cytogenetic location: 6q14.3.
Variant type: Deletion.
Coding change: c.433del on transcript NM_015021.3 (MANE Select); coding-DNA position 433, one base deleted (A; older notation c.433delA).
Protein change: p.Ser145fs; shifts the reading frame from serine 145.
Molecular consequence: frameshift variant.
Genome position (GRCh38, 1-based): chr6:87,218,626, A deleted. VCF-style (leftmost placement, unchanged base first): chr6-87218625-CA-C. GRCh37 (hg19) VCF-style: chr6-87928343-CA-C.
Other names: c.13del, p.Ser5fs (NM_001351444.2); short protein forms S145fs, S5fs.
Identifiers: ClinVar variation 982153 (VCV000982153.5), dbSNP rs1772907934, ClinGen allele CA1139659724.
Genomic context (GRCh38, chr6:87,218,625, plus strand): 5'-AATTCTTTGGATGTTTATTTAATATTTATAGGTAGCTCATGAAAAGCTGATGGAGAATGG[CA>C]GCTGTGAATTGCATTTTTTAGCTACTCTAGCTCAAGAGACTGGGGTGTGGAAAAACCCGG-3'

ClinVar aggregate classification (germline): Pathogenic. Review status: criteria provided, single submitter (1 of 4 stars). 2 submissions from 2 submitters: Pathogenic (1). 1 of the submissions does not count toward it. Last evaluated 2019-12-19.

Conditions:
Neurodevelopmental disorder. Identifiers: MedGen C1535926, MeSH D065886, MONDO:0700092.
Inborn genetic diseases. Identifiers: MedGen C0950123, MeSH D030342.

Submissions (2):

Ambry Genetics
Classification: Pathogenic for Inborn genetic diseases. Last evaluated: 2019-12-19. Review status: criteria provided, single submitter. Criteria: Ambry Variant Classification Scheme 2023. Collection method: clinical testing. Allele origin: germline.
Comment: The alteration results in a premature stop codon: _x000D_ _x000D_ The c.433delA (p.S145Afs*7) alteration, located in coding exon 4 of the ZNF292 gene, results from a deletion of one nucleotide at position 433, causing a translational frameshift with a predicted alternate stop codon after 7 amino acids. This alteration is expected to result in loss of function by premature protein truncation or nonsense-mediated mRNA decay. Based on the available evidence, this alteration is classified as pathogenic.

University of Washington Center for Mendelian Genomics, University of Washington
Classification: Likely pathogenic for Neurodevelopmental disorder. Review status: no assertion criteria provided. Collection method: research. Allele origin: de novo. Affected: yes. Not counted in ClinVar's aggregate classification.

Literature cited by the submitters: PubMed 31723249 (cited by University of Washington Center for Mendelian Genomics, University of Washington).